The following is an entry in ClinVar:

NM_000038.6(APC):c.4452T>C (p.Asp1484=)

Gene: APC (APC regulator of Wnt signaling pathway; plus strand). Cytogenetic location: 5q22.2.
Variant type: single nucleotide variant.
Coding change: c.4452T>C on transcript NM_000038.6 (MANE Select); coding-DNA position 4452, T replaced by C.
Protein change: p.Asp1484=; no amino-acid change (aspartic acid 1484 retained).
Molecular consequence: synonymous variant.
Genome position (GRCh38, 1-based): chr5:112,840,046, T>C. VCF-style: chr5-112840046-T-C. GRCh37 (hg19) VCF-style: chr5-112175743-T-C.
Other names: c.4452T>C, p.Asp1484= (NM_001127510.3, NM_001354895.2); c.4398T>C, p.Asp1466= (NM_001127511.3); c.4506T>C, p.Asp1502= (NM_001354896.2); c.4482T>C, p.Asp1494= (NM_001354897.2); c.4377T>C, p.Asp1459= (NM_001354898.2); c.4368T>C, p.Asp1456= (NM_001354899.2); c.4329T>C, p.Asp1443= (NM_001354900.2); c.4275T>C, p.Asp1425= (NM_001354901.2); and 5 more.
Identifiers: ClinVar variation 537653 (VCV000537653.14), dbSNP rs1554085886, ClinGen allele CA446206487.
Genomic context (GRCh38, chr5:112,840,046, plus strand): 5'-GAGTGGACCTAAGCAAGCTGCAGTAAATGCTGCAGTTCAGAGGGTCCAGGTTCTTCCAGA[T>C]GCTGATACTTTATTACATTTTGCCACGGAAAGTACTCCAGATGGATTTTCTTGTTCATCC-3'
Protein context (NP_000029.2, residues 1474-1494): AAVQRVQVLP[Asp1484=]ADTLLHFATE

ClinVar aggregate classification (germline): Benign/Likely benign. Review status: criteria provided, multiple submitters, no conflicts (2 of 4 stars). 3 submissions from 3 submitters: Benign (1); Likely benign (2). Last evaluated 2025-11-11.

Conditions:
Familial adenomatous polyposis 1 (FAP1). Also called: FAMILIAL ADENOMATOUS POLYPOSIS 1, ATTENUATED; POLYPOSIS, ADENOMATOUS INTESTINAL. Identifiers: MedGen C2713442, MONDO:0021056, OMIM 175100. Disease mechanism: loss of function.
Hereditary cancer-predisposing syndrome. Also called: Tumor predisposition; Hereditary Cancer Syndrome; Hereditary neoplastic syndrome; Neoplastic Syndromes, Hereditary. Identifiers: Orphanet 140162, MedGen C0027672, MeSH D009386, MONDO:0015356.

Submissions (3):

Labcorp Genetics (formerly Invitae), Labcorp
Classification: Likely benign for Familial adenomatous polyposis 1. Last evaluated: 2025-11-11. Review status: criteria provided, single submitter. Criteria: Invitae Variant Classification Sherloc (09022015). Collection method: clinical testing. Allele origin: germline.

Myriad Genetics, Inc.
Classification: Benign for Familial adenomatous polyposis 1. Last evaluated: 2024-03-27. Review status: criteria provided, single submitter. Criteria: Myriad Autosomal Dominant, Autosomal Recessive and X-Linked Classification Criteria (2023). Collection method: clinical testing. Allele origin: unknown.
Comment: This variant is considered benign. This variant is a silent/synonymous amino acid change and it is not expected to impact splicing.

Ambry Genetics
Classification: Likely benign for Hereditary cancer-predisposing syndrome. Last evaluated: 2021-10-13. Review status: criteria provided, single submitter. Criteria: Ambry Variant Classification Scheme 2023. Collection method: clinical testing. Allele origin: germline.